The following is an entry in ClinVar:

NM_002334.4(LRP4):c.2579G>A (p.Arg860His)

Gene: LRP4 (LDL receptor related protein 4; minus strand). Cytogenetic location: 11p11.2.
Variant type: single nucleotide variant.
Coding change: c.2579G>A on transcript NM_002334.4 (MANE Select); coding-DNA position 2579, G replaced by A.
Protein change: p.Arg860His; replaces arginine 860 with histidine.
Molecular consequence: missense variant.
Genome position (GRCh38, 1-based): chr11:46,883,904, C>T on the plus strand (G>A on the coding strand, the complement: LRP4 is on the minus strand). VCF-style: chr11-46883904-C-T. GRCh37 (hg19) VCF-style: chr11-46905455-C-T.
Other names: c.2579G>A (NM_002334.3); short protein forms R860H.
Identifiers: ClinVar variation 2148141 (VCV002148141.4), dbSNP rs199997747, ClinGen allele CA5969855.

ClinVar aggregate classification (germline): Uncertain significance. Review status: criteria provided, multiple submitters, no conflicts (2 of 4 stars). 2 submissions from 2 submitters: Uncertain significance (2). Last evaluated 2024-07-01.

Conditions:
Congenital myasthenic syndrome 17. Identifiers: Orphanet 590, MedGen C4225377, MONDO:0014578, OMIM 616304.
Cenani-Lenz syndactyly syndrome. Also called: SYNDACTYLY, TYPE VII; CENANI SYNDACTYLISM. Identifiers: Orphanet 3258, MedGen C1859309, MONDO:0008931, OMIM 212780.
Sclerosteosis 2 (SOST2). Identifiers: Orphanet 3152, MedGen C3280402, MONDO:0013679, OMIM 614305.
Inborn genetic diseases. Identifiers: MedGen C0950123, MeSH D030342.

Allele frequency attached by ClinVar (database versions not stated): gnomAD exomes 0.00001; ExAC 0.00002; TOPMed 0.00002; gnomAD 0.00003.
gnomAD v4.1: 15 of 1,614,092 alleles (0.00093%); highest among the groups gnomAD compares: East Asian, 0.0022%; no homozygotes.

Submissions (2):

Labcorp Genetics (formerly Invitae), Labcorp
Classification: Uncertain significance for Cenani-Lenz syndactyly syndrome; Sclerosteosis 2; Congenital myasthenic syndrome 17. Last evaluated: 2024-07-01. Review status: criteria provided, single submitter. Criteria: Invitae Variant Classification Sherloc (09022015). Collection method: clinical testing. Allele origin: germline.
Comment: This sequence change replaces arginine, which is basic and polar, with histidine, which is basic and polar, at codon 860 of the LRP4 protein (p.Arg860His). This variant is present in population databases (rs199997747, gnomAD 0.002%). This variant has not been reported in the literature in individuals affected with LRP4-related conditions. ClinVar contains an entry for this variant (Variation ID: 2148141). Advanced modeling of protein sequence and biophysical properties (such as structural, functional, and spatial information, amino acid conservation, physicochemical variation, residue mobility, and thermodynamic stability) has been performed at Invitae for this missense variant, however the output from this modeling did not meet the statistical confidence thresholds required to predict the impact of this variant on LRP4 protein function. In summary, the available evidence is currently insufficient to determine the role of this variant in disease. Therefore, it has been classified as a Variant of Uncertain Significance.

Ambry Genetics
Classification: Uncertain significance for Inborn genetic diseases. Last evaluated: 2022-05-09. Review status: criteria provided, single submitter. Criteria: Ambry Variant Classification Scheme 2023. Collection method: clinical testing. Allele origin: germline.